The following is an entry in ClinVar:

NM_001127221.2(CACNA1A):c.5585C>G (p.Pro1862Arg)

Gene: CACNA1A (calcium voltage-gated channel subunit alpha1 A; minus strand). Cytogenetic location: 19p13.13.
Variant type: single nucleotide variant.
Coding change: c.5585C>G on transcript NM_001127221.2 (MANE Plus Clinical); coding-DNA position 5585, C replaced by G.
Protein change: p.Pro1862Arg; replaces proline 1862 with arginine.
Molecular consequence: missense variant. On other transcripts: intron variant (4).
Genome position (GRCh38, 1-based): chr19:13,228,742, G>C on the plus strand (C>G on the coding strand, the complement: CACNA1A is on the minus strand). VCF-style: chr19-13228742-G-C. GRCh37 (hg19) VCF-style: chr19-13339556-G-C.
Other names: c.5529-1215C>G (NM_001127222.2); c.5538-1215C>G (NM_001174080.2); c.5547-1215C>G (NM_000068.4, NM_023035.3); short protein forms P1862R.
Identifiers: ClinVar variation 1711467 (VCV001711467.31), dbSNP rs2144616690, ClinGen allele CA404331502.

ClinVar aggregate classification (germline): Conflicting classifications of pathogenicity. Review status: criteria provided, conflicting classifications (1 of 4 stars). 2 submissions from 2 submitters: Likely pathogenic (1); Uncertain significance (1). Last evaluated 2022-08-01.

Submissions (2):

CeGaT Center for Human Genetics Tuebingen
Classification: Likely pathogenic. Last evaluated: 2022-08-01. Review status: criteria provided, single submitter. Criteria: CeGaT Center For Human Genetics Tuebingen Variant Classification Criteria Version 2. Collection method: clinical testing. Allele origin: germline. Affected: yes. Observed: 1 variant allele.
Comment: CACNA1A: PM2, PS2:Moderate, PP2, PP3

Blueprint Genetics
Classification: Uncertain significance. Last evaluated: 2021-07-22. Review status: criteria provided, single submitter. Criteria: ACMG Guidelines, 2015. Collection method: clinical testing. Allele origin: germline.